The following is an entry in ClinVar:

ClinVar aggregate classification (germline): Uncertain significance (1 of 4 stars; one submission).

Conditions:
Low phospholipid associated cholelithiasis (GBD1). Also called: Gallbladder disease 1; Gallstone cholecystitis. Identifiers: Orphanet 69663, MedGen C2609268, MONDO:0010939, OMIM 600803.

gnomAD v4.1: 17 of 1,613,206 alleles (0.0011%); highest among the groups gnomAD compares: Non-Finnish European, 0.0014%; no homozygotes.

Submission:

Genomenon, Inc
Classification: Uncertain significance for Low phospholipid associated cholelithiasis. Last evaluated: 2026-04-14. Review status: criteria provided, single submitter. Criteria: Genomenon Sequence Variant Interpretation Standards - Updated. Collection method: curation. Allele origin: germline. Affected: yes.
Comment: ABCB4 p.Leu975Val (c.2923C>G) is a missense variant that changes the amino acid at residue 975 from Leucine to Valine. This variant has been observed in at least one proband with an ABCB4-related disorder (PMID:23533021). It is absent or not present at a significant frequency in gnomAD. In silico models predict that this variant is possibly or probably damaging. In conclusion, we classify ABCB4 p.Leu975Val (c.2923C>G) as a variant of uncertain significance.

Literature cited by the submitters: PubMed 23533021.

NM_000443.4(ABCB4):c.2923C>G (p.Leu975Val)

Gene: ABCB4 (ATP binding cassette subfamily B member 4; minus strand). Cytogenetic location: 7q21.12.
Variant type: single nucleotide variant.
Coding change: c.2923C>G on transcript NM_000443.4 (MANE Select); coding-DNA position 2923, C replaced by G.
Protein change: p.Leu975Val; replaces leucine 975 with valine.
Molecular consequence: missense variant. On other transcripts: intron variant (1).
Genome position (GRCh38, 1-based): chr7:87,411,894, G>C on the plus strand (C>G on the coding strand, the complement: ABCB4 is on the minus strand). VCF-style: chr7-87411894-G-C. GRCh37 (hg19) VCF-style: chr7-87041210-G-C.
Other names: c.2923C>G, p.Leu975Val (NM_018849.3); c.2783+1723C>G (NM_018850.3); short protein forms L975V.
Identifiers: ClinVar variation 4846551 (VCV004846551.1).